The following is an entry in ClinVar:

ClinVar aggregate classification (germline): Uncertain significance. Review status: criteria provided, multiple submitters, no conflicts (2 of 4 stars). 2 submissions from 2 submitters: Uncertain significance (2). Last evaluated 2025-09-16.

Conditions:
NCOA1-related disorder. Also called: NCOA1-related condition.

gnomAD v4.1: 5 of 1,614,102 alleles (0.00031%); highest among the groups gnomAD compares: African/African-American, 0.0013%; no homozygotes.

Submissions (2):

PreventionGenetics, part of Exact Sciences
Classification: Uncertain significance for NCOA1-related condition. Last evaluated: 2025-09-16. Review status: criteria provided, single submitter. Criteria: ACMG Guidelines, 2015. Collection method: clinical testing. Allele origin: germline.
Comment: The NCOA1 c.1147A>G variant is predicted to result in the amino acid substitution p.Ile383Val. To our knowledge, this variant has not been reported in the literature. This variant is reported in 0.00088% of alleles in individuals of European (Non-Finnish) descent in gnomAD. At this time, the clinical significance of this variant is uncertain due to the absence of conclusive functional and genetic evidence.

Ambry Genetics
Classification: Uncertain significance. Last evaluated: 2024-12-05. Review status: criteria provided, single submitter. Criteria: Ambry Variant Classification Scheme 2023. Collection method: clinical testing. Allele origin: germline.

NM_003743.5(NCOA1):c.1147A>G (p.Ile383Val)

Gene: NCOA1 (nuclear receptor coactivator 1; plus strand). Cytogenetic location: 2p23.3.
Variant type: single nucleotide variant.
Coding change: c.1147A>G on transcript NM_003743.5 (MANE Select); coding-DNA position 1147, A replaced by G.
Protein change: p.Ile383Val; replaces isoleucine 383 with valine.
Molecular consequence: missense variant.
Genome position (GRCh38, 1-based): chr2:24,706,617, A>G. VCF-style: chr2-24706617-A-G. GRCh37 (hg19) VCF-style: chr2-24929486-A-G.
Other names: c.1147A>G, p.Ile383Val (NM_001362950.1, NM_001362952.1, NM_001362954.1 and 3 more transcripts); short protein forms I383V.
Identifiers: ClinVar variation 3403462 (VCV003403462.2).